The following is an entry in ClinVar:

ClinVar aggregate classification (germline): Benign (0 of 4 stars; one submission).

Conditions:
SDK2-related disorder. Also called: SDK2-related condition.

Allele frequency attached by ClinVar (database versions not stated): ESP Exome Variant Server 0.00062; gnomAD exomes 0.00307; TOPMed 0.00422; gnomAD 0.00429; ExAC 0.00806; 1000 Genomes Project 30x 0.01827; 1000 Genomes Project 0.01977.
gnomAD v4.1: 5,215 of 1,612,774 alleles (0.32%); highest among the groups gnomAD compares: East Asian, 8%; 171 homozygotes.

Submission:

PreventionGenetics, part of Exact Sciences
Classification: Benign for SDK2-related condition. Last evaluated: 2019-04-01. Review status: no assertion criteria provided. Collection method: clinical testing. Allele origin: germline.
Comment: This variant is classified as benign based on ACMG/AMP sequence variant interpretation guidelines (Richards et al. 2015 PMID: 25741868, with internal and published modifications).

NM_001144952.2(SDK2):c.4809C>T (p.Asn1603=)

Gene: SDK2 (sidekick cell adhesion molecule 2; minus strand). Cytogenetic location: 17q25.1.
Variant type: single nucleotide variant.
Coding change: c.4809C>T on transcript NM_001144952.2 (MANE Select); coding-DNA position 4809, C replaced by T.
Protein change: p.Asn1603=; no amino-acid change (asparagine 1603 retained).
Molecular consequence: synonymous variant.
Genome position (GRCh38, 1-based): chr17:73,379,503, G>A on the plus strand (C>T on the coding strand, the complement: SDK2 is on the minus strand). VCF-style: chr17-73379503-G-A. GRCh37 (hg19) VCF-style: chr17-71375642-G-A.
Identifiers: ClinVar variation 3056009 (VCV003056009.2), dbSNP rs78145056, ClinGen allele CA8742616.